The following is an entry in ClinVar:

ClinVar aggregate classification (germline): Uncertain significance (1 of 4 stars; one submission).

Allele frequency attached by ClinVar (database versions not stated): gnomAD exomes below 0.00001; TOPMed below 0.00001; ExAC 0.00001.
gnomAD v4.1: 1 of 1,614,068 alleles (0.000062%); highest among the groups gnomAD compares: Non-Finnish European, 0.000085%; no homozygotes.

Submission:

Labcorp Genetics (formerly Invitae), Labcorp
Classification: Uncertain significance. Last evaluated: 2022-07-09. Review status: criteria provided, single submitter. Criteria: Invitae Variant Classification Sherloc (09022015). Collection method: clinical testing. Allele origin: germline.
Comment: This variant has not been reported in the literature in individuals affected with SZT2-related conditions. In summary, the available evidence is currently insufficient to determine the role of this variant in disease. Therefore, it has been classified as a Variant of Uncertain Significance. Algorithms developed to predict the effect of missense changes on protein structure and function (SIFT, PolyPhen-2, Align-GVGD) all suggest that this variant is likely to be tolerated. This variant is present in population databases (rs751570637, gnomAD 0.0009%). This sequence change replaces serine, which is neutral and polar, with alanine, which is neutral and non-polar, at codon 2071 of the SZT2 protein (p.Ser2071Ala).

NM_001365999.1(SZT2):c.6382T>G (p.Ser2128Ala)

Gene: SZT2 (SZT2 subunit of KICSTOR complex; plus strand). Cytogenetic location: 1p34.2.
Variant type: single nucleotide variant.
Coding change: c.6382T>G on transcript NM_001365999.1 (MANE Select); coding-DNA position 6382, T replaced by G.
Protein change: p.Ser2128Ala; replaces serine 2128 with alanine.
Molecular consequence: missense variant.
Genome position (GRCh38, 1-based): chr1:43,437,686, T>G. VCF-style: chr1-43437686-T-G. GRCh37 (hg19) VCF-style: chr1-43903357-T-G.
Other names: c.6211T>G, p.Ser2071Ala (NM_015284.4); short protein forms S2071A, S2128A.
Identifiers: ClinVar variation 1961971 (VCV001961971.5), dbSNP rs751570637, ClinGen allele CA809858.